The following is an entry in ClinVar:

ClinVar aggregate classification (germline): Pathogenic (1 of 4 stars; one submission).

Conditions:
Short-rib thoracic dysplasia 13 with or without polydactyly (SRTD13). Identifiers: Orphanet 474, MedGen C4225378, MONDO:0014577, OMIM 616300.

Submission:

Labcorp Genetics (formerly Invitae), Labcorp
Classification: Pathogenic for Short-rib thoracic dysplasia 13 with or without polydactyly. Last evaluated: 2021-03-13. Review status: criteria provided, single submitter. Criteria: Invitae Variant Classification Sherloc (09022015). Collection method: clinical testing. Allele origin: germline.
Comment: For these reasons, this variant has been classified as Pathogenic. This variant has not been reported in the literature in individuals with CEP120-related conditions. This variant is not present in population databases (ExAC no frequency). This sequence change creates a premature translational stop signal (p.Asp344Argfs*7) in the CEP120 gene. It is expected to result in an absent or disrupted protein product. Loss-of-function variants in CEP120 are known to be pathogenic (PMID: 27208211, 25251415).

Literature cited by the submitters: PubMed 27208211; PubMed 25251415.

NM_001375405.1(CEP120):c.1028dup (p.Asp344fs)

Gene: CEP120 (centrosomal protein 120; minus strand). Cytogenetic location: 5q23.2.
Variant type: Duplication.
Coding change: c.1028dup on transcript NM_001375405.1 (MANE Select); coding-DNA position 1028, one base duplicated (T; older notation c.1028dupT).
Protein change: p.Asp344fs; shifts the reading frame from aspartic acid 344.
Molecular consequence: frameshift variant. On other transcripts: non-coding transcript variant (1).
Genome position (GRCh38, 1-based): chr5:123,391,120, A duplicated on the plus strand (T on the coding strand, the reverse complement: CEP120 is on the minus strand). VCF-style (leftmost placement, unchanged base first): chr5-123391119-T-TA. GRCh37 (hg19) VCF-style: chr5-122726813-T-TA.
Other names: c.950dup, p.Asp318fs (NM_001166226.2); c.1028dup, p.Asp344fs (NM_001375406.1, NM_001375407.1, NM_153223.4); c.455dup, p.Asp153fs (NM_001375408.1, NM_001375409.1); short protein forms D153fs, D318fs, D344fs.
Identifiers: ClinVar variation 1076850 (VCV001076850.7), dbSNP rs2127071022, ClinGen allele CA2499217519.
Genomic context (GRCh38, chr5:123,391,119, plus strand): 5'-TCATGCATGGGACTAGTGAAGCCAGGGGAATGAAGGAGGGCCACTACTTGCCTGGGAGTC[T>TA]ATGCCTTCTCTCTGCAGAGCCACAGACACTCCCACAGTTGGGGCTAGCTCCACAGGAATA-3'